The following is an entry in ClinVar:

ClinVar aggregate classification (germline): Pathogenic. Review status: criteria provided, single submitter (1 of 4 stars). 2 submissions from 2 submitters: Pathogenic (1). 1 of the submissions does not count toward it. Last evaluated 2020-02-04.

Conditions:
Cardiac-urogenital syndrome (CUGS). Also called: MYRF-Related Cardiac Urogenital Syndrome. Identifiers: Orphanet 647811, MedGen C4748946, MONDO:0032653, OMIM 618280.
Disorder of sexual differentiation. Also called: Disorder of sex development; Difference of sexual differentiation. Identifiers: Orphanet 90771, MedGen C2930619, MONDO:0002145.

Submissions (2):

HudsonAlpha Institute for Biotechnology
Classification: Pathogenic for Cardiac-urogenital syndrome. Last evaluated: 2020-02-04. Review status: criteria provided, single submitter. Criteria: ACMG Guidelines, 2015. Collection method: research. Allele origin: de novo. Affected: yes. Observed: 1 variant allele. Study: CSER-SouthSeq.
Comment: ACMG codes: PVS1, PS2

Human Developmental Genetics, Institut Pasteur
Classification: Likely pathogenic for Disorder of sexual differentiation. Last evaluated: 2021-08-17. Review status: no assertion criteria provided. Collection method: research. Allele origin: unknown. Inheritance: Autosomal dominant inheritance. Affected: yes. Not counted in ClinVar's aggregate classification.

NM_001127392.3(MYRF):c.2572+1G>A

Gene: MYRF (myelin regulatory factor; plus strand). Cytogenetic location: 11q12.2.
Variant type: single nucleotide variant.
Coding change: c.2572+1G>A on transcript NM_001127392.3 (MANE Select); the canonical splice donor site of the intron after coding-DNA position 2572, G replaced by A.
Molecular consequence: splice donor variant.
Genome position (GRCh38, 1-based): chr11:61,781,046, G>A. VCF-style: chr11-61781046-G-A. GRCh37 (hg19) VCF-style: chr11-61548518-G-A.
Other names: c.2467+1G>A (NM_013279.4).
Identifiers: ClinVar variation 929443 (VCV000929443.2), dbSNP rs2066528136, ClinGen allele CA380860565.